The following is an entry in ClinVar:

ClinVar aggregate classification (germline): Conflicting classifications of pathogenicity. Review status: criteria provided, conflicting classifications (1 of 4 stars). 4 submissions from 4 submitters: Uncertain significance (3); Likely benign (1). Last evaluated 2026-03-09.

Conditions:
COL4A3-related disorder. Also called: COL4A3-related condition; COL4A3-Related Disorders.

Allele frequency attached by ClinVar (database versions not stated): gnomAD exomes 0.00003 and 0.00010; ExAC 0.00012; gnomAD 0.00019 and 0.00022; TOPMed 0.00030; ESP Exome Variant Server 0.00059.
gnomAD v4.1: 83 of 1,614,100 alleles (0.0051%); highest among the groups gnomAD compares: African/African-American, 0.097%; no homozygotes.

Submissions (4):

PreventionGenetics, part of Exact Sciences
Classification: Uncertain significance for COL4A3-related condition. Last evaluated: 2026-03-09. Review status: criteria provided, single submitter. Criteria: ACMG Guidelines, 2015. Collection method: clinical testing. Allele origin: germline.
Comment: The COL4A3 c.2699T>C variant is predicted to result in the amino acid substitution p.Ile900Thr. This variant was reported in an individual with Alport syndrome, although they also had a reportedly likely pathogenic variant in COL4A4 (Table S3, Doreille et al. 2023. PubMed ID: 36938085). This variant is reported in 0.12% of alleles in individuals of African descent in gnomAD. Although we suspect that this variant may be benign, at this time, the clinical significance of this variant is uncertain due to the absence of conclusive functional and genetic evidence.

Labcorp Genetics (formerly Invitae), Labcorp
Classification: Likely benign. Last evaluated: 2026-02-01. Review status: criteria provided, single submitter. Criteria: Invitae Variant Classification Sherloc (09022015). Collection method: clinical testing. Allele origin: germline.

GeneDx
Classification: Uncertain significance. Last evaluated: 2025-08-11. Review status: criteria provided, single submitter. Criteria: GeneDx Variant Classification Process June 2021. Collection method: clinical testing. Allele origin: germline. Affected: yes.
Comment: Reported in the heterozygous state in a patient with chronic kidney disease in published literature; this patient is also noted to harbor a homozygous variant in the COL4A4 gene (PMID: 36938085); In silico analysis suggests that this missense variant does not alter protein structure/function; Occurs in the triple helical domain at the Y position in the canonical Gly-X-Y repeat; although this variant may have an effect on normal protein folding and function, missense substitution at the Y position is not a common mechanism of disease; This variant is associated with the following publications: (PMID: 36938085)

Eurofins Ntd Llc (ga)
Classification: Uncertain significance. Last evaluated: 2017-04-26. Review status: criteria provided, single submitter. Criteria: EGL Classification Definitions 2015. Collection method: clinical testing. Allele origin: germline. Observed: 1 variant allele, 1 heterozygote.

NM_000091.5(COL4A3):c.2699T>C (p.Ile900Thr)

Genes: COL4A3 (collagen type IV alpha 3 chain; plus strand), MFF-DT (MFF divergent transcript; minus strand). Cytogenetic location: 2q36.3.
Variant type: single nucleotide variant.
Coding change: c.2699T>C on transcript NM_000091.5 (MANE Select); coding-DNA position 2699, T replaced by C.
Protein change: p.Ile900Thr; replaces isoleucine 900 with threonine.
Molecular consequence: missense variant.
Genome position (GRCh38, 1-based): chr2:227,283,809, T>C. VCF-style: chr2-227283809-T-C. GRCh37 (hg19) VCF-style: chr2-228148525-T-C.
Other names: short protein forms I900T.
Identifiers: ClinVar variation 501575 (VCV000501575.20), dbSNP rs201665434, ClinGen allele CA2146994.
Genomic context (GRCh38, chr2:227,283,809, plus strand): 5'-GTTAATTTGTTTCCATAGGTGAAGATGGAGTGATTGGGATGATGGGCTTTCCTGGAGCCA[T>C]TGGCCCTCCAGGGCCCCCTGGGAACCCAGGCACACCAGGGCAGAGGGGTAAGTGATAGAG-3'
Protein context (NP_000082.2, residues 890-910): VIGMMGFPGA[Ile900Thr]GPPGPPGNPG